The following is an entry in ClinVar:

NM_004984.4(KIF5A):c.475G>T (p.Asp159Tyr)

Gene: KIF5A (kinesin family member 5A; plus strand). Cytogenetic location: 12q13.3.
Variant type: single nucleotide variant.
Coding change: c.475G>T on transcript NM_004984.4 (MANE Select); coding-DNA position 475, G replaced by T.
Protein change: p.Asp159Tyr; replaces aspartic acid 159 with tyrosine.
Molecular consequence: missense variant.
Genome position (GRCh38, 1-based): chr12:57,564,947, G>T. VCF-style: chr12-57564947-G-T. GRCh37 (hg19) VCF-style: chr12-57958730-G-T.
Other names: c.208G>T, p.Asp70Tyr (NM_001354705.2); short protein forms D159Y, D70Y.
Identifiers: ClinVar variation 3023079 (VCV003023079.3), dbSNP rs2540494862, ClinGen allele CA385495857.

ClinVar aggregate classification (germline): Uncertain significance (1 of 4 stars; one submission).

Conditions:
Spastic paraplegia. Identifiers: MedGen C0037772, HP:0001258.

Allele frequency attached by ClinVar (database versions not stated): gnomAD exomes below 0.00001.
gnomAD v4.1: 1 of 1,614,200 alleles (0.000062%); highest among the groups gnomAD compares: African/African-American, 0.0013%; no homozygotes.

Submission:

Labcorp Genetics (formerly Invitae), Labcorp
Classification: Uncertain significance for Spastic paraplegia. Last evaluated: 2023-07-13. Review status: criteria provided, single submitter. Criteria: Invitae Variant Classification Sherloc (09022015). Collection method: clinical testing. Allele origin: germline.
Comment: In summary, the available evidence is currently insufficient to determine the role of this variant in disease. Therefore, it has been classified as a Variant of Uncertain Significance. Advanced modeling of protein sequence and biophysical properties (such as structural, functional, and spatial information, amino acid conservation, physicochemical variation, residue mobility, and thermodynamic stability) performed at Invitae indicates that this missense variant is expected to disrupt KIF5A protein function. This variant has not been reported in the literature in individuals affected with KIF5A-related conditions. This variant is not present in population databases (gnomAD no frequency). This sequence change replaces aspartic acid, which is acidic and polar, with tyrosine, which is neutral and polar, at codon 159 of the KIF5A protein (p.Asp159Tyr).